The following is an entry in ClinVar:

NM_003072.5(SMARCA4):c.4067G>A (p.Arg1356Gln)

Gene: SMARCA4 (SWI/SNF related BAF chromatin remodeling complex subunit ATPase 4; plus strand). Cytogenetic location: 19p13.2.
Variant type: single nucleotide variant.
Coding change: c.4067G>A on transcript NM_003072.5 (MANE Select); coding-DNA position 4067, G replaced by A.
Protein change: p.Arg1356Gln; replaces arginine 1356 with glutamine.
Molecular consequence: missense variant. On other transcripts: non-coding transcript variant (1).
Genome position (GRCh38, 1-based): chr19:11,035,029, G>A. VCF-style: chr19-11035029-G-A. GRCh37 (hg19) VCF-style: chr19-11145705-G-A.
Other names: c.3968G>A, p.Arg1323Gln (NM_001374457.1, NM_001128845.2, NM_001128846.2 and 2 more transcripts); c.4067G>A, p.Arg1356Gln (NM_001387283.1, NM_001128844.3, NM_001128849.3); short protein forms R1323Q, R1356Q.
Identifiers: ClinVar variation 665496 (VCV000665496.19), dbSNP rs1204091534, ClinGen allele CA404068243.

ClinVar aggregate classification (germline): Conflicting classifications of pathogenicity. Review status: criteria provided, conflicting classifications (1 of 4 stars). 5 submissions from 5 submitters: Uncertain significance (3); Likely benign (2). Last evaluated 2026-07-08.

Conditions:
Intellectual disability, autosomal dominant 16 (CSS4). Also called: COFFIN-SIRIS SYNDROME 4. Identifiers: Orphanet 1465, MedGen C3553249, MONDO:0013821, OMIM 614609.
Hereditary cancer-predisposing syndrome. Also called: Hereditary Cancer Syndrome; Hereditary neoplastic syndrome; Neoplastic Syndromes, Hereditary; Tumor predisposition. Identifiers: Orphanet 140162, MedGen C0027672, MeSH D009386, MONDO:0015356.
Rhabdoid tumor predisposition syndrome 2 (RTPS2). Identifiers: Orphanet 231108, Orphanet 69077, MedGen C2750074, MONDO:0013224, OMIM 613325.

Allele frequency attached by ClinVar (database versions not stated): gnomAD 0.00001; gnomAD exomes 0.00002 and 0.00001.
gnomAD v4.1: 9 of 1,612,656 alleles (0.00056%); highest among the groups gnomAD compares: Middle Eastern, 0.017%; no homozygotes.

Submissions (5):

Myriad Genetics, Inc.
Classification: Likely benign for Rhabdoid tumor predisposition syndrome 2. Last evaluated: 2026-07-08. Review status: criteria provided, single submitter. Criteria: Myriad Autosomal Dominant, Autosomal Recessive and X-Linked Classification Criteria (2023). Collection method: clinical testing. Allele origin: unknown.
Comment: This variant is considered likely benign. This variant has been observed at a population frequency that is significantly greater than expected given the associated disease prevalence and penetrance.

CeGaT Center for Human Genetics Tuebingen
Classification: Uncertain significance. Last evaluated: 2026-06-01. Review status: criteria provided, single submitter. Criteria: CeGaT Center For Human Genetics Tuebingen Variant Classification Criteria Version 2. Collection method: clinical testing. Allele origin: germline. Affected: yes. Observed: 1 variant allele.
Comment: SMARCA4: PM2:Supporting, PP2, PP3

Labcorp Genetics (formerly Invitae), Labcorp
Classification: Uncertain significance for Rhabdoid tumor predisposition syndrome 2. Last evaluated: 2024-10-09. Review status: criteria provided, single submitter. Criteria: Invitae Variant Classification Sherloc (09022015). Collection method: clinical testing. Allele origin: germline.
Comment: This sequence change replaces arginine, which is basic and polar, with glutamine, which is neutral and polar, at codon 1356 of the SMARCA4 protein (p.Arg1356Gln). This variant is present in population databases (no rsID available, gnomAD 0.005%). This variant has not been reported in the literature in individuals affected with SMARCA4-related conditions. ClinVar contains an entry for this variant (Variation ID: 665496). Invitae Evidence Modeling of protein sequence and biophysical properties (such as structural, functional, and spatial information, amino acid conservation, physicochemical variation, residue mobility, and thermodynamic stability) has been performed for this missense variant. However, the output from this modeling did not meet the statistical confidence thresholds required to predict the impact of this variant on SMARCA4 protein function. In summary, the available evidence is currently insufficient to determine the role of this variant in disease. Therefore, it has been classified as a Variant of Uncertain Significance.

Ambry Genetics
Classification: Likely benign for Hereditary cancer-predisposing syndrome. Last evaluated: 2023-12-04. Review status: criteria provided, single submitter. Criteria: Ambry Variant Classification Scheme 2023. Collection method: clinical testing. Allele origin: germline.

Genome-Nilou Lab
Classification: Uncertain significance for Intellectual disability, autosomal dominant 16. Last evaluated: 2021-07-15. Review status: criteria provided, single submitter. Criteria: ACMG Guidelines, 2015. Collection method: clinical testing. Allele origin: germline. Affected: no.